The following is an entry in ClinVar:

ClinVar aggregate classification (germline): Uncertain significance. Review status: criteria provided, multiple submitters, no conflicts (2 of 4 stars). 2 submissions from 2 submitters: Uncertain significance (2). Last evaluated 2025-02-07.

Conditions:
Inborn genetic diseases. Identifiers: MedGen C0950123, MeSH D030342.

Submissions (2):

Ambry Genetics
Classification: Uncertain significance for Inborn genetic diseases. Last evaluated: 2025-02-07. Review status: criteria provided, single submitter. Criteria: Ambry Variant Classification Scheme 2023. Collection method: clinical testing. Allele origin: germline.

GeneDx
Classification: Uncertain significance. Last evaluated: 2020-02-01. Review status: criteria provided, single submitter. Criteria: GeneDx Variant Classification Process June 2021. Collection method: clinical testing. Allele origin: germline. Affected: yes.
Comment: Has not been previously published as pathogenic or benign to our knowledge; Not observed in large population cohorts (Lek et al., 2016); In silico analysis supports that this missense variant has a deleterious effect on protein structure/function

NM_001318852.2(MAPK8IP3):c.3065T>G (p.Leu1022Arg)

Gene: MAPK8IP3 (mitogen-activated protein kinase 8 interacting protein 3; plus strand). Cytogenetic location: 16p13.3.
Variant type: single nucleotide variant.
Coding change: c.3065T>G on transcript NM_001318852.2 (MANE Select); coding-DNA position 3065, T replaced by G.
Protein change: p.Leu1022Arg; replaces leucine 1022 with arginine.
Molecular consequence: missense variant.
Genome position (GRCh38, 1-based): chr16:1,766,948, T>G. VCF-style: chr16-1766948-T-G. GRCh37 (hg19) VCF-style: chr16-1816949-T-G.
Other names: c.3044T>G, p.Leu1015Arg (NM_001040439.2); c.3062T>G, p.Leu1021Arg (NM_015133.5); c.3062T>G (NM_015133.3); short protein forms L1015R, L1021R, L1022R.
Identifiers: ClinVar variation 1311945 (VCV001311945.3), dbSNP rs2141953470, ClinGen allele CA394237134.
Genomic context (GRCh38, chr16:1,766,948, plus strand): 5'-CGCATTCCTGTTTCAGGCATGTCAAAGGCCGTGTGCTGGTGGCTCTGGCGGACGGGACCC[T>G]GGCCATCTTCCACCGTGGTGAAGGTGGGGCCTGGCAGCACGGGGTGTGTGGGTGGCAGCT-3'
Protein context (NP_001305781.1, residues 1012-1032): RVLVALADGT[Leu1022Arg]AIFHRGEDGQ